The following is an entry in ClinVar:

ClinVar aggregate classification (germline): Uncertain significance (1 of 4 stars; one submission).

Allele frequency attached by ClinVar (database versions not stated): gnomAD exomes below 0.00001; TOPMed below 0.00001.

Submission:

Labcorp Genetics (formerly Invitae), Labcorp
Classification: Uncertain significance. Last evaluated: 2023-01-12. Review status: criteria provided, single submitter. Criteria: Invitae Variant Classification Sherloc (09022015). Collection method: clinical testing. Allele origin: germline.
Comment: In summary, the available evidence is currently insufficient to determine the role of this variant in disease. Therefore, it has been classified as a Variant of Uncertain Significance. Advanced modeling of protein sequence and biophysical properties (such as structural, functional, and spatial information, amino acid conservation, physicochemical variation, residue mobility, and thermodynamic stability) performed at Invitae indicates that this missense variant is not expected to disrupt ATP6AP1 protein function. This variant has not been reported in the literature in individuals affected with ATP6AP1-related conditions. This variant is not present in population databases (gnomAD no frequency). This sequence change replaces alanine, which is neutral and non-polar, with valine, which is neutral and non-polar, at codon 354 of the ATP6AP1 protein (p.Ala354Val).

NM_001183.6(ATP6AP1):c.1061C>T (p.Ala354Val)

Gene: ATP6AP1 (ATPase H+ transporting accessory protein 1; plus strand). Cytogenetic location: Xq28.
Variant type: single nucleotide variant.
Coding change: c.1061C>T on transcript NM_001183.6 (MANE Select); coding-DNA position 1061, C replaced by T.
Protein change: p.Ala354Val; replaces alanine 354 with valine.
Molecular consequence: missense variant.
Genome position (GRCh38, 1-based): chrX:154,435,363, C>T. VCF-style: chrX-154435363-C-T. GRCh37 (hg19) VCF-style: chrX-153663709-C-T.
Other names: short protein forms A354V.
Identifiers: ClinVar variation 2189543 (VCV002189543.4), dbSNP rs1264626717, ClinGen allele CA415195683.